The following is an entry in ClinVar:

NM_018089.3(ANKZF1):c.682G>A (p.Val228Met)

Gene: ANKZF1 (ankyrin repeat and zinc finger peptidyl tRNA hydrolase 1; plus strand). Cytogenetic location: 2q35.
Variant type: single nucleotide variant.
Coding change: c.682G>A on transcript NM_018089.3 (MANE Select); coding-DNA position 682, G replaced by A.
Protein change: p.Val228Met; replaces valine 228 with methionine.
Molecular consequence: missense variant.
Genome position (GRCh38, 1-based): chr2:219,233,296, G>A. VCF-style: chr2-219233296-G-A. GRCh37 (hg19) VCF-style: chr2-220098018-G-A.
Other names: c.682G>A, p.Val228Met (NM_001042410.2); c.52G>A, p.Val18Met (NM_001282792.2); short protein forms V228M, V18M.
Identifiers: ClinVar variation 1382073 (VCV001382073.6), dbSNP rs2106461159, ClinGen allele CA350674934.

ClinVar aggregate classification (germline): Uncertain significance (1 of 4 stars; one submission).

Submission:

Labcorp Genetics (formerly Invitae), Labcorp
Classification: Uncertain significance. Last evaluated: 2021-11-23. Review status: criteria provided, single submitter. Criteria: Invitae Variant Classification Sherloc (09022015). Collection method: clinical testing. Allele origin: germline.
Comment: This sequence change replaces valine, which is neutral and non-polar, with methionine, which is neutral and non-polar, at codon 228 of the ANKZF1 protein (p.Val228Met). This variant is not present in population databases (gnomAD no frequency). This variant has not been reported in the literature in individuals affected with ANKZF1-related conditions. Algorithms developed to predict the effect of missense changes on protein structure and function output the following: SIFT: "Tolerated"; PolyPhen-2: "Benign"; Align-GVGD: "Class C0". The methionine amino acid residue is found in multiple mammalian species, which suggests that this missense change does not adversely affect protein function. In summary, the available evidence is currently insufficient to determine the role of this variant in disease. Therefore, it has been classified as a Variant of Uncertain Significance.